The following is an entry in ClinVar:

ClinVar aggregate classification (germline): Uncertain significance. Review status: criteria provided, multiple submitters, no conflicts (2 of 4 stars). 2 submissions from 2 submitters: Uncertain significance (2). Last evaluated 2024-12-05.

Conditions:
Congenital myasthenic syndrome 8. Also called: MYASTHENIC SYNDROME, CONGENITAL, DUE TO AGRIN DEFICIENCY; Myasthenic syndrome, congenital, 8, with pre- and postsynaptic defects. Identifiers: Orphanet 590, MedGen C3808739, MONDO:0014052, OMIM 615120.
Inborn genetic diseases. Identifiers: MedGen C0950123, MeSH D030342.

Allele frequency attached by ClinVar (database versions not stated): gnomAD exomes 0.00006 and 0.00014; gnomAD 0.00013 and 0.00014; TOPMed 0.00023; ExAC 0.00027.

Submissions (2):

Ambry Genetics
Classification: Uncertain significance for Inborn genetic diseases. Last evaluated: 2024-12-05. Review status: criteria provided, single submitter. Criteria: Ambry Variant Classification Scheme 2023. Collection method: clinical testing. Allele origin: germline.

Labcorp Genetics (formerly Invitae), Labcorp
Classification: Uncertain significance for Congenital myasthenic syndrome 8. Last evaluated: 2024-01-24. Review status: criteria provided, single submitter. Criteria: Invitae Variant Classification Sherloc (09022015). Collection method: clinical testing. Allele origin: germline.
Comment: This sequence change replaces arginine, which is basic and polar, with histidine, which is basic and polar, at codon 1317 of the AGRN protein (p.Arg1317His). This variant is present in population databases (rs376518159, gnomAD 0.1%). This variant has not been reported in the literature in individuals affected with AGRN-related conditions. ClinVar contains an entry for this variant (Variation ID: 854433). Algorithms developed to predict the effect of missense changes on protein structure and function output the following: SIFT: "Not Available"; PolyPhen-2: "Benign"; Align-GVGD: "Not Available". The histidine amino acid residue is found in multiple mammalian species, which suggests that this missense change does not adversely affect protein function. In summary, the available evidence is currently insufficient to determine the role of this variant in disease. Therefore, it has been classified as a Variant of Uncertain Significance.

NM_198576.4(AGRN):c.3950G>A (p.Arg1317His)

Gene: AGRN (agrin; plus strand). Cytogenetic location: 1p36.33.
Variant type: single nucleotide variant.
Coding change: c.3950G>A on transcript NM_198576.4 (MANE Select); coding-DNA position 3950, G replaced by A.
Protein change: p.Arg1317His; replaces arginine 1317 with histidine.
Molecular consequence: missense variant.
Genome position (GRCh38, 1-based): chr1:1,048,210, G>A. VCF-style: chr1-1048210-G-A. GRCh37 (hg19) VCF-style: chr1-983590-G-A.
Other names: c.3950G>A, p.Arg1317His (NM_001305275.2); c.3635G>A, p.Arg1212His (NM_001364727.2); short protein forms R1212H, R1317H.
Identifiers: ClinVar variation 854433 (VCV000854433.9), dbSNP rs376518159, ClinGen allele CA509289.